The following is an entry in ClinVar:

ClinVar aggregate classification (germline): Uncertain significance (1 of 4 stars; one submission).

Submission:

Labcorp Genetics (formerly Invitae), Labcorp
Classification: Uncertain significance. Last evaluated: 2024-08-11. Review status: criteria provided, single submitter. Criteria: Invitae Variant Classification Sherloc (09022015). Collection method: clinical testing. Allele origin: germline.
Comment: This sequence change replaces serine, which is neutral and polar, with phenylalanine, which is neutral and non-polar, at codon 600 of the NEFH protein (p.Ser600Phe). This variant is not present in population databases (gnomAD no frequency). This variant has not been reported in the literature in individuals affected with NEFH-related conditions. Advanced modeling of protein sequence and biophysical properties (such as structural, functional, and spatial information, amino acid conservation, physicochemical variation, residue mobility, and thermodynamic stability) performed at Invitae indicates that this missense variant is not expected to disrupt NEFH protein function with a negative predictive value of 95%. In summary, the available evidence is currently insufficient to determine the role of this variant in disease. Therefore, it has been classified as a Variant of Uncertain Significance.

NM_021076.4(NEFH):c.1799C>T (p.Ser600Phe)

Gene: NEFH (neurofilament heavy chain; plus strand). Cytogenetic location: 22q12.2.
Variant type: single nucleotide variant.
Coding change: c.1799C>T on transcript NM_021076.4 (MANE Select); coding-DNA position 1799, C replaced by T.
Protein change: p.Ser600Phe; replaces serine 600 with phenylalanine.
Molecular consequence: missense variant.
Genome position (GRCh38, 1-based): chr22:29,489,439, C>T. VCF-style: chr22-29489439-C-T. GRCh37 (hg19) VCF-style: chr22-29885428-C-T.
Other names: short protein forms S600F.
Identifiers: ClinVar variation 3700445 (VCV003700445.2).